The following is an entry in ClinVar:

NM_181538.3(GJC3):c.56C>A (p.Pro19His)

Gene: GJC3 (gap junction protein gamma 3; minus strand). Cytogenetic location: 7q22.1.
Variant type: single nucleotide variant.
Coding change: c.56C>A on transcript NM_181538.3 (MANE Select); coding-DNA position 56, C replaced by A.
Protein change: p.Pro19His; replaces proline 19 with histidine.
Molecular consequence: missense variant.
Genome position (GRCh38, 1-based): chr7:99,929,565, G>T on the plus strand (C>A on the coding strand, the complement: GJC3 is on the minus strand). VCF-style: chr7-99929565-G-T. GRCh37 (hg19) VCF-style: chr7-99527188-G-T.
Other names: short protein forms P19H.
Identifiers: ClinVar variation 3036184 (VCV003036184.2), dbSNP rs201016616, ClinGen allele CA4371335.

ClinVar aggregate classification (germline): Likely benign (0 of 4 stars; one submission).

Conditions:
GJC3-related disorder. Also called: GJC3-related condition.

Allele frequency attached by ClinVar (database versions not stated): ESP Exome Variant Server 0.00056; 1000 Genomes Project 0.00060; 1000 Genomes Project 30x 0.00062.

Submission:

PreventionGenetics, part of Exact Sciences
Classification: Likely benign for GJC3-related condition. Last evaluated: 2023-06-23. Review status: no assertion criteria provided. Collection method: clinical testing. Allele origin: germline.
Comment: This variant is classified as likely benign based on ACMG/AMP sequence variant interpretation guidelines (Richards et al. 2015 PMID: 25741868, with internal and published modifications).